The following is an entry in ClinVar:

ClinVar aggregate classification (germline): Uncertain significance (1 of 4 stars; one submission).

Conditions:
Hereditary cancer-predisposing syndrome. Also called: Neoplastic Syndromes, Hereditary; Tumor predisposition; Hereditary Cancer Syndrome; Hereditary neoplastic syndrome. Identifiers: Orphanet 140162, MedGen C0027672, MeSH D009386, MONDO:0015356.

Submission:

Ambry Genetics
Classification: Uncertain significance for Hereditary cancer-predisposing syndrome. Last evaluated: 2020-02-19. Review status: criteria provided, single submitter. Criteria: Ambry Variant Classification Scheme 2023. Collection method: clinical testing. Allele origin: germline.
Comment: The c.3513dupT variant, located in coding exon 19 of the BRIP1 gene, results from a duplication of T at nucleotide position 3513, causing a translational frameshift with a predicted alternate stop codon. Frameshifts are typically deleterious in nature; however, this frameshift occurs at the 3' terminus of BRIP1, is not expected to trigger nonsense-mediated mRNA decay, and impacts only the last 78 amino acids of the protein. The exact functional impact of these altered amino acids is unknown at this time. Since supporting evidence is limited at this time, the clinical significance of this alteration remains unclear.

NM_032043.3(BRIP1):c.3513dup (p.Glu1172Ter)

Gene: BRIP1 (BRCA1 interacting DNA helicase 1; minus strand). Cytogenetic location: 17q23.2.
Variant type: Duplication.
Coding change: c.3513dup on transcript NM_032043.3 (MANE Select); coding-DNA position 3513, one base duplicated (T; older notation c.3513dupT).
Protein change: p.Glu1172Ter; replaces glutamic acid 1172 with a stop codon.
Molecular consequence: nonsense. On other transcripts: frameshift variant (1).
Genome position (GRCh38, 1-based): chr17:61,683,533, A duplicated on the plus strand (T on the coding strand, the reverse complement: BRIP1 is on the minus strand); the first of 5 consecutive A bases (chr17:61,683,533-61,683,537); duplicating any one gives the same sequence. VCF-style (leftmost placement, unchanged base first): chr17-61683532-C-CA. GRCh37 (hg19) VCF-style: chr17-59760893-C-CA.
Other names: c.3513dupT (NM_032043.2); short protein forms E1172*.
Identifiers: ClinVar variation 1732183 (VCV001732183.2), dbSNP rs2544554606, ClinGen allele CA2580094552.